The following is an entry in ClinVar:

ClinVar aggregate classification (germline): Uncertain significance (1 of 4 stars; one submission).

Conditions:
Polymicrogyria, perisylvian, with cerebellar hypoplasia and arthrogryposis (NEDSPLB). Identifiers: MedGen C4225295, MONDO:0014679, OMIM 616531.

Submission:

3billion
Classification: Uncertain significance for Polymicrogyria, perisylvian, with cerebellar hypoplasia and arthrogryposis. Last evaluated: 2024-12-30. Review status: criteria provided, single submitter. Criteria: ACMG Guidelines, 2015. Collection method: clinical testing. Allele origin: germline. Affected: yes.
Comment: The variant is not observed in the gnomAD v4.1.0 dataset. Predicted Consequence/Location: Missense variant In silico tool predictions suggest damaging effect of the variant on gene or gene product [REVEL: 0.76 (>=0.6, sensitivity 0.68 and specificity 0.92); 3Cnet: 0.63 (>=0.6, sensitivity 0.72 and precision 0.9)]. Therefore, this variant is classified as VUS according to the recommendation of ACMG/AMP guideline.

NM_058004.4(PI4KA):c.2756A>G (p.Tyr919Cys)

Gene: PI4KA (phosphatidylinositol 4-kinase alpha; minus strand). Cytogenetic location: 22q11.21.
Variant type: single nucleotide variant.
Coding change: c.2756A>G on transcript NM_058004.4 (MANE Select); coding-DNA position 2756, A replaced by G.
Protein change: p.Tyr919Cys; replaces tyrosine 919 with cysteine.
Molecular consequence: missense variant.
Genome position (GRCh38, 1-based): chr22:20,761,339, T>C on the plus strand (A>G on the coding strand, the complement: PI4KA is on the minus strand). VCF-style: chr22-20761339-T-C. GRCh37 (hg19) VCF-style: chr22-21115627-T-C.
Other names: c.2756A>G, p.Tyr919Cys (NM_001362862.2); c.2690A>G, p.Tyr897Cys (NM_001362863.2); short protein forms Y897C, Y919C.
Identifiers: ClinVar variation 4292744 (VCV004292744.1).